The following is an entry in ClinVar:

ClinVar aggregate classification (germline): Uncertain significance (1 of 4 stars; one submission).

Submission:

Ambry Genetics
Classification: Uncertain significance. Last evaluated: 2022-11-23. Review status: criteria provided, single submitter. Criteria: Ambry Variant Classification Scheme 2023. Collection method: clinical testing. Allele origin: germline.
Comment: The p.L1206H variant (also known as c.3617T>A), located in coding exon 32 of the KIF1B gene, results from a T to A substitution at nucleotide position 3617. The leucine at codon 1206 is replaced by histidine, an amino acid with similar properties. This amino acid position is conserved. In addition, this alteration is predicted to be deleterious by in silico analysis. Since supporting evidence is limited at this time, the clinical significance of this alteration remains unclear.

NM_001365951.3(KIF1B):c.3755T>A (p.Leu1252His)

Gene: KIF1B (kinesin family member 1B; plus strand). Cytogenetic location: 1p36.22.
Variant type: single nucleotide variant.
Coding change: c.3755T>A on transcript NM_001365951.3 (MANE Select); coding-DNA position 3755, T replaced by A.
Protein change: p.Leu1252His; replaces leucine 1252 with histidine.
Molecular consequence: missense variant.
Genome position (GRCh38, 1-based): chr1:10,345,911, T>A. VCF-style: chr1-10345911-T-A. GRCh37 (hg19) VCF-style: chr1-10405969-T-A.
Other names: c.3755T>A, p.Leu1252His (NM_001365952.1); c.3617T>A, p.Leu1206His (NM_015074.3); short protein forms L1206H, L1252H.
Identifiers: ClinVar variation 2448712 (VCV002448712.2), dbSNP rs1245086908, ClinGen allele CA338342494.